The following is an entry in ClinVar:

ClinVar aggregate classification (germline): Uncertain significance. Review status: criteria provided, multiple submitters, no conflicts (2 of 4 stars). 5 submissions from 5 submitters: Uncertain significance (5). Last evaluated 2025-09-10.

Conditions:
Cardiovascular phenotype. Identifiers: MedGen CN230736.
Short QT syndrome type 1. Identifiers: Orphanet 51083, MedGen C1865020, MONDO:0012312, OMIM 609620.
Long QT syndrome 2 (LQT2). Identifiers: Orphanet 101016, Orphanet 768, MedGen C3150943, MONDO:0013367, OMIM 613688.
Long QT syndrome (LQTS). Identifiers: MedGen C0023976, MeSH D008133, MONDO:0002442. Disease mechanism: loss of function. Inheritance: Various modes of inheritance.

Allele frequency attached by ClinVar (database versions not stated): gnomAD 0.00001; TOPMed 0.00003.
gnomAD v4.1: 25 of 1,369,152 alleles (0.0018%); highest among the groups gnomAD compares: Non-Finnish European, 0.0022%; no homozygotes.

Submissions (5):

Labcorp Genetics (formerly Invitae), Labcorp
Classification: Uncertain significance for Long QT syndrome. Last evaluated: 2025-09-10. Review status: criteria provided, single submitter. Criteria: Invitae Variant Classification Sherloc (09022015). Collection method: clinical testing. Allele origin: germline.
Comment: This sequence change replaces proline, which is neutral and non-polar, with leucine, which is neutral and non-polar, at codon 258 of the KCNH2 protein (p.Pro258Leu). This variant is present in population databases (no rsID available, gnomAD 0.01%). This variant has not been reported in the literature in individuals affected with KCNH2-related conditions. ClinVar contains an entry for this variant (Variation ID: 495747). An algorithm developed to predict the effect of missense changes on protein structure and function (PolyPhen-2) suggests that this variant is likely to be tolerated. In summary, the available evidence is currently insufficient to determine the role of this variant in disease. Therefore, it has been classified as a Variant of Uncertain Significance.

Ambry Genetics
Classification: Uncertain significance for Cardiovascular phenotype. Last evaluated: 2023-04-25. Review status: criteria provided, single submitter. Criteria: Ambry Variant Classification Scheme 2023. Collection method: clinical testing. Allele origin: germline.
Comment: The p.P258L variant (also known as c.773C>T), located in coding exon 4 of the KCNH2 gene, results from a C to T substitution at nucleotide position 773. The proline at codon 258 is replaced by leucine, an amino acid with similar properties. This amino acid position is well conserved in available vertebrate species. In addition, the in silico prediction for this alteration is inconclusive. Since supporting evidence is limited at this time, the clinical significance of this alteration remains unclear.

Fulgent Genetics
Classification: Uncertain significance for Short QT syndrome type 1; Long QT syndrome 2. Last evaluated: 2021-08-12. Review status: criteria provided, single submitter. Criteria: ACMG Guidelines, 2015. Collection method: clinical testing. Allele origin: unknown.

Blueprint Genetics
Classification: Uncertain significance. Last evaluated: 2019-09-06. Review status: criteria provided, single submitter. Criteria: ACMG Guidelines, 2015. Collection method: clinical testing. Allele origin: germline.

Women's Health and Genetics/Laboratory Corporation of America, LabCorp
Classification: Uncertain significance. Last evaluated: 2016-12-19. Review status: criteria provided, single submitter. Criteria: LabCorp Variant Classification Summary - May 2015. Collection method: clinical testing. Allele origin: germline.
Comment: Variant summary: The KCNH2 c.773C>T (p.Pro258Leu) variant involves the alteration of a conserved nucleotide. 3/4 in silico tools predict a damaging outcome for this variant (SNPs&GO not captured due to low reliability index). This variant was not found in 2166 control chromosomes. The variant of interest has not, to our knowledge, been reported in affected individuals via publications and/or reputable databases/clinical diagnostic laboratories; nor evaluated for functional impact by in vivo/vitro studies. Because of the absence of clinical information and the lack of functional studies, the variant is classified as a variant of uncertain significance (VUS) until additional information becomes available.

NM_000238.4(KCNH2):c.773C>T (p.Pro258Leu)

Gene: KCNH2 (potassium voltage-gated channel subfamily H member 2; minus strand). Cytogenetic location: 7q36.1.
Variant type: single nucleotide variant.
Coding change: c.773C>T on transcript NM_000238.4 (MANE Select); coding-DNA position 773, C replaced by T.
Protein change: p.Pro258Leu; replaces proline 258 with leucine.
Molecular consequence: missense variant.
Genome position (GRCh38, 1-based): chr7:150,958,202, G>A on the plus strand (C>T on the coding strand, the complement: KCNH2 is on the minus strand). VCF-style: chr7-150958202-G-A. GRCh37 (hg19) VCF-style: chr7-150655290-G-A.
Other names: c.485C>T, p.Pro162Leu (NM_001406753.1, NM_001406756.1); c.596C>T, p.Pro199Leu (NM_001406755.1); c.473C>T, p.Pro158Leu (NM_001406757.1); c.773C>T, p.Pro258Leu (NM_172056.3); short protein forms P258L, P162L, P199L, P158L.
Identifiers: ClinVar variation 495747 (VCV000495747.10), dbSNP rs1367019959, ClinGen allele CA369862549.